The following is an entry in ClinVar:

NM_021930.6(RINT1):c.827_828dup (p.Leu277fs)

Gene: RINT1 (RAD50 interactor 1; plus strand). Cytogenetic location: 7q22.3.
Variant type: Duplication.
Coding change: c.827_828dup on transcript NM_021930.6 (MANE Select); coding-DNA positions 827 to 828, 2 bases duplicated (AA; older notation c.827_828dupAA).
Protein change: p.Leu277fs; shifts the reading frame from leucine 277.
Molecular consequence: frameshift variant. On other transcripts: 5 prime UTR variant (2), non-coding transcript variant (1), intron variant (1).
Genome position (GRCh38, 1-based): chr7:105,547,321-105,547,322, AA duplicated; duplicating any 2 consecutive bases within chr7:105,547,320-105,547,322 gives the same sequence; the c. name uses the placement nearest the transcript's 3' end. VCF-style (leftmost placement, unchanged base first): chr7-105547319-G-GAA. GRCh37 (hg19) VCF-style: chr7-105187766-G-GAA.
Other names: c.593_594dup, p.Leu199fs (NM_001346599.2); c.-193_-192dup (NM_001346600.2); c.-96_-95dup (NM_001346601.2); c.-27-2734_-27-2733dup (NM_001346603.2); short protein forms L199fs, L277fs.
Identifiers: ClinVar variation 3314482 (VCV003314482.1).

ClinVar aggregate classification (germline): Uncertain significance (1 of 4 stars; one submission).

Submission:

Ambry Genetics
Classification: Uncertain significance. Last evaluated: 2024-06-24. Review status: criteria provided, single submitter. Criteria: Ambry Variant Classification Scheme 2023. Collection method: clinical testing. Allele origin: germline.
Comment: The c.827_828dupAA variant, located in coding exon 6 of the RINT1 gene, results from a duplication of AA at nucleotide position 827, causing a translational frameshift with a predicted alternate stop codon (p.L277Nfs*35). This alteration is expected to result in loss of function by premature protein truncation or nonsense-mediated mRNA decay. The evidence for this gene-disease relationship is limited; therefore, the clinical significance of this alteration is unclear.